The following is an entry in ClinVar:

NM_003126.4(SPTA1):c.5019G>C (p.Leu1673Phe)

Gene: SPTA1 (spectrin alpha, erythrocytic 1; minus strand). Cytogenetic location: 1q23.1.
Variant type: single nucleotide variant.
Coding change: c.5019G>C on transcript NM_003126.4 (MANE Select); coding-DNA position 5019, G replaced by C.
Protein change: p.Leu1673Phe; replaces leucine 1673 with phenylalanine.
Molecular consequence: missense variant.
Genome position (GRCh38, 1-based): chr1:158,638,203, C>G on the plus strand (G>C on the coding strand, the complement: SPTA1 is on the minus strand). VCF-style: chr1-158638203-C-G. GRCh37 (hg19) VCF-style: chr1-158607993-C-G.
Other names: short protein forms L1673F.
Identifiers: ClinVar variation 2585359 (VCV002585359.1), dbSNP rs1651233515, ClinGen allele CA343028951.

ClinVar aggregate classification (germline): Uncertain significance (1 of 4 stars; one submission).

Conditions:
Elliptocytosis 2 (EL2). Also called: ELLIPTOCYTOSIS, RHESUS-UNLINKED TYPE. Identifiers: Orphanet 288, MedGen C1851741, MONDO:0007533, OMIM 130600.

Submission:

Neuberg Centre For Genomic Medicine, NCGM
Classification: Uncertain significance for Elliptocytosis 2. Review status: criteria provided, single submitter. Criteria: ACMG Guidelines, 2015. Collection method: clinical testing. Allele origin: germline. Inheritance: Autosomal dominant inheritance. Affected: yes.
Comment: The missense variant in c.5019G>C (p.Leu1673Phe) in SPTA1 gene has not been reported previously as a pathogenic variant nor as a benign variant, to our knowledge. The p.Leu1673Phe variant is novel (not in any individuals) in gnomAD Exomes and 1000 Genomes. The amino acid Leu at position 1673 is changed to a Phe changing protein sequence and it might alter its composition and physico-chemical properties. The variant is predicted to be damaging by PolyPhen2 and the residue is conserved across species. The amino acid change p.Leu1673Phe in SPTA1 is predicted as conserved by GERP++ and PhyloP across 100 vertebrates. For these reasons, this variant has been classified as Uncertain Significance.